The following is an entry in ClinVar:

ClinVar aggregate classification (germline): Likely benign. Review status: criteria provided, multiple submitters, no conflicts (2 of 4 stars). 4 submissions from 4 submitters: Likely benign (3). 1 of the submissions does not count toward it. Last evaluated 2026-01-26.

Conditions:
FAT4-related disorder. Also called: FAT4-related condition.
Van Maldergem syndrome 2 (VMLDS2). Identifiers: Orphanet 314679, MedGen C3809875, MONDO:0014242, OMIM 615546.
Hennekam lymphangiectasia-lymphedema syndrome 2 (HKLLS2). Identifiers: Orphanet 2136, MedGen C4014939, MONDO:0014454, OMIM 616006.
Inborn genetic diseases. Identifiers: MedGen C0950123, MeSH D030342.

Allele frequency attached by ClinVar (database versions not stated): TOPMed 0.00001; 1000 Genomes Project 0.00100; gnomAD 0.00005; gnomAD exomes 0.00012 and 0.00029; ExAC 0.00036; 1000 Genomes Project 30x 0.00078.
gnomAD v4.1: 175 of 1,613,980 alleles (0.011%); highest among the groups gnomAD compares: South Asian, 0.18%; 2 homozygotes.

Submissions (4):

Labcorp Genetics (formerly Invitae), Labcorp
Classification: Likely benign. Last evaluated: 2026-01-26. Review status: criteria provided, single submitter. Criteria: Invitae Variant Classification Sherloc (09022015). Collection method: clinical testing. Allele origin: germline.

Fulgent Genetics
Classification: Likely benign for Van Maldergem syndrome 2; Hennekam lymphangiectasia-lymphedema syndrome 2. Last evaluated: 2024-05-15. Review status: criteria provided, single submitter. Criteria: ACMG Guidelines, 2015. Collection method: clinical testing. Allele origin: germline.

Ambry Genetics
Classification: Likely benign for Inborn genetic diseases. Last evaluated: 2021-09-01. Review status: criteria provided, single submitter. Criteria: Ambry Variant Classification Scheme 2023. Collection method: clinical testing. Allele origin: germline.

PreventionGenetics, part of Exact Sciences
Classification: Likely benign for FAT4-related condition. Last evaluated: 2022-04-05. Review status: no assertion criteria provided. Collection method: clinical testing. Allele origin: germline. Not counted in ClinVar's aggregate classification.
Comment: This variant is classified as likely benign based on ACMG/AMP sequence variant interpretation guidelines (Richards et al. 2015 PMID: 25741868, with internal and published modifications).

NM_001291303.3(FAT4):c.8854A>C (p.Ser2952Arg)

Gene: FAT4 (FAT atypical cadherin 4; plus strand). Cytogenetic location: 4q28.1.
Variant type: single nucleotide variant.
Coding change: c.8854A>C on transcript NM_001291303.3 (MANE Select); coding-DNA position 8854, A replaced by C.
Protein change: p.Ser2952Arg; replaces serine 2952 with arginine.
Molecular consequence: missense variant.
Genome position (GRCh38, 1-based): chr4:125,449,864, A>C. VCF-style: chr4-125449864-A-C. GRCh37 (hg19) VCF-style: chr4-126371019-A-C.
Other names: c.8848A>C (NM_024582.4, NM_024582.5); c.8854A>C, p.Ser2952Arg (NM_001291285.3); c.8848A>C, p.Ser2950Arg (NM_024582.6); short protein forms S2950R, S2952R.
Identifiers: ClinVar variation 1569442 (VCV001569442.12), dbSNP rs538489921, ClinGen allele CA3073435.